The following is an entry in ClinVar:

ClinVar aggregate classification (germline): Uncertain significance (1 of 4 stars; one submission).

Allele frequency attached by ClinVar (database versions not stated): gnomAD exomes below 0.00001.

Submission:

Labcorp Genetics (formerly Invitae), Labcorp
Classification: Uncertain significance. Last evaluated: 2024-12-03. Review status: criteria provided, single submitter. Criteria: Invitae Variant Classification Sherloc (09022015). Collection method: clinical testing. Allele origin: germline.
Comment: This sequence change replaces proline, which is neutral and non-polar, with serine, which is neutral and polar, at codon 617 of the COL9A2 protein (p.Pro617Ser). This variant is not present in population databases (gnomAD no frequency). This variant has not been reported in the literature in individuals affected with COL9A2-related conditions. ClinVar contains an entry for this variant (Variation ID: 1410875). Invitae Evidence Modeling of protein sequence and biophysical properties (such as structural, functional, and spatial information, amino acid conservation, physicochemical variation, residue mobility, and thermodynamic stability) indicates that this missense variant is not expected to disrupt COL9A2 protein function with a negative predictive value of 95%. In summary, the available evidence is currently insufficient to determine the role of this variant in disease. Therefore, it has been classified as a Variant of Uncertain Significance.

NM_001852.4(COL9A2):c.1849C>T (p.Pro617Ser)

Gene: COL9A2 (collagen type IX alpha 2 chain; minus strand). Cytogenetic location: 1p34.2.
Variant type: single nucleotide variant.
Coding change: c.1849C>T on transcript NM_001852.4 (MANE Select); coding-DNA position 1849, C replaced by T.
Protein change: p.Pro617Ser; replaces proline 617 with serine.
Molecular consequence: missense variant.
Genome position (GRCh38, 1-based): chr1:40,301,833, G>A on the plus strand (C>T on the coding strand, the complement: COL9A2 is on the minus strand). VCF-style: chr1-40301833-G-A. GRCh37 (hg19) VCF-style: chr1-40767505-G-A.
Other names: short protein forms P617S.
Identifiers: ClinVar variation 1410875 (VCV001410875.6), dbSNP rs992498924, ClinGen allele CA21041104.
Genomic context (GRCh38, chr1:40,301,833, plus strand): 5'-TGAGGAACACACTGCAGCTGGGCAGGGCCAATGGCTTACCTGGGATCCCTGGGGGCCCAG[G>A]CATCCCGGGGTGCCCCCGTCCCACTTCTCCTGGATCACCCTTCTCTCCACGTTTTCCTGT-3'
Protein context (NP_001843.1, residues 607-627): GEVGRGHPGM[Pro617Ser]GPPGIPGLPG